The following is an entry in ClinVar:

ClinVar aggregate classification (germline): Uncertain significance (1 of 4 stars; one submission).

Conditions:
Familial thoracic aortic aneurysm and aortic dissection (TAAD). Also called: Thoracic aortic aneurysms and dissections. Identifiers: Orphanet 91387, MedGen C4707243, MONDO:0019625.

gnomAD v4.1: 5 of 1,613,872 alleles (0.00031%); highest among the groups gnomAD compares: African/African-American, 0.0053%; no homozygotes.

Submission:

Ambry Genetics
Classification: Uncertain significance for Familial thoracic aortic aneurysm and aortic dissection. Last evaluated: 2026-06-27. Review status: criteria provided, single submitter. Criteria: Ambry Variant Classification Scheme 2023. Collection method: clinical testing. Allele origin: germline.
Comment: The p.R92T variant (also known as c.275G>C), located in coding exon 2 of the FBN2 gene, results from a G to C substitution at nucleotide position 275. The arginine at codon 92 is replaced by threonine, an amino acid with similar properties. This amino acid position is conserved. In addition, this alteration is predicted to be deleterious by in silico analysis. Based on the available evidence, the clinical significance of this variant remains unclear.

NM_001999.4(FBN2):c.275G>C (p.Arg92Thr)

Gene: FBN2 (fibrillin 2; minus strand). Cytogenetic location: 5q23.3.
Variant type: single nucleotide variant.
Coding change: c.275G>C on transcript NM_001999.4 (MANE Select); coding-DNA position 275, G replaced by C.
Protein change: p.Arg92Thr; replaces arginine 92 with threonine.
Molecular consequence: missense variant.
Genome position (GRCh38, 1-based): chr5:128,536,464, C>G on the plus strand (G>C on the coding strand, the complement: FBN2 is on the minus strand). VCF-style: chr5-128536464-C-G. GRCh37 (hg19) VCF-style: chr5-127872157-C-G.
Other names: short protein forms R92T.
Identifiers: ClinVar variation 5021623 (VCV005021623.1).
Genomic context (GRCh38, chr5:128,536,464, plus strand): 5'-ACAATGCACTGGTTTCCTCCAGGGAGCGTCTTCCATCCAGGGCAGCAGTAGGAGTGGAAT[C>G]TGGAGCCGCACACGTTGGGCCTGTGATGGACAAGCGCGGTCACGTAACAGATAGGTAGAG-3'
Protein context (NP_001990.2, residues 82-102): VLRGPNVCGS[Arg92Thr]FHSYCCPGWK